The following is an entry in ClinVar:

ClinVar aggregate classification (germline): Likely benign. Review status: criteria provided, single submitter (1 of 4 stars). 2 submissions from 2 submitters: Likely benign (1). 1 of the submissions does not count toward it. Last evaluated 2025-09-15.

Conditions:
PACS2-related disorder. Also called: PACS2-related condition.

Allele frequency attached by ClinVar (database versions not stated): TOPMed 0.00002; gnomAD 0.00003; gnomAD exomes 0.00007; 1000 Genomes Project 30x 0.00016; ExAC 0.00017; 1000 Genomes Project 0.00020.
gnomAD v4.1: 100 of 1,608,976 alleles (0.0062%); highest among the groups gnomAD compares: South Asian, 0.099%; 3 homozygotes.

Submissions (2):

Labcorp Genetics (formerly Invitae), Labcorp
Classification: Likely benign. Last evaluated: 2025-09-15. Review status: criteria provided, single submitter. Criteria: Invitae Variant Classification Sherloc (09022015). Collection method: clinical testing. Allele origin: germline.

PreventionGenetics, part of Exact Sciences
Classification: Likely benign for PACS2-related condition. Last evaluated: 2022-11-01. Review status: no assertion criteria provided. Collection method: clinical testing. Allele origin: germline. Not counted in ClinVar's aggregate classification.
Comment: This variant is classified as likely benign based on ACMG/AMP sequence variant interpretation guidelines (Richards et al. 2015 PMID: 25741868, with internal and published modifications).

NM_001100913.3(PACS2):c.2171C>T (p.Pro724Leu)

Gene: PACS2 (phosphofurin acidic cluster sorting protein 2; plus strand). Cytogenetic location: 14q32.33.
Variant type: single nucleotide variant.
Coding change: c.2171C>T on transcript NM_001100913.3 (MANE Select); coding-DNA position 2171, C replaced by T.
Protein change: p.Pro724Leu; replaces proline 724 with leucine.
Molecular consequence: missense variant.
Genome position (GRCh38, 1-based): chr14:105,391,682, C>T. VCF-style: chr14-105391682-C-T. GRCh37 (hg19) VCF-style: chr14-105858019-C-T.
Other names: c.2171C>T (NM_001100913.2); c.1901C>T, p.Pro634Leu (NM_001243127.3); c.2126C>T, p.Pro709Leu (NM_015197.4); short protein forms P634L, P724L, P709L.
Identifiers: ClinVar variation 1945508 (VCV001945508.7), dbSNP rs587610084, ClinGen allele CA7389180.